The following is an entry in ClinVar:

NM_017636.4(TRPM4):c.575G>T (p.Gly192Val)

Gene: TRPM4 (transient receptor potential cation channel subfamily M member 4; plus strand). Cytogenetic location: 19q13.33.
Variant type: single nucleotide variant.
Coding change: c.575G>T on transcript NM_017636.4 (MANE Select); coding-DNA position 575, G replaced by T.
Protein change: p.Gly192Val; replaces glycine 192 with valine.
Molecular consequence: missense variant. On other transcripts: 5 prime UTR variant (1), intron variant (2).
Genome position (GRCh38, 1-based): chr19:49,168,386, G>T. VCF-style: chr19-49168386-G-T. GRCh37 (hg19) VCF-style: chr19-49671643-G-T.
Other names: c.575G>T, p.Gly192Val (NM_001195227.2); c.-979G>T (NM_001321282.2); c.53G>T, p.Gly18Val (NM_001321283.2); c.268-167G>T (NM_001321281.2); c.-237-167G>T (NM_001321285.2); short protein forms G192V, G18V.
Identifiers: ClinVar variation 2563519 (VCV002563519.2), dbSNP rs750308604, ClinGen allele CA406791680.

ClinVar aggregate classification (germline): Uncertain significance (1 of 4 stars; one submission).

Conditions:
Cardiovascular phenotype. Identifiers: MedGen CN230736.

gnomAD v4.1: 2 of 1,614,068 alleles (0.00012%); highest among the groups gnomAD compares: Non-Finnish European, 0.00017%; no homozygotes.

Submission:

Ambry Genetics
Classification: Uncertain significance for Cardiovascular phenotype. Last evaluated: 2023-06-14. Review status: criteria provided, single submitter. Criteria: Ambry Variant Classification Scheme 2023. Collection method: clinical testing. Allele origin: germline.
Comment: The p.G192V variant (also known as c.575G>T), located in coding exon 5 of the TRPM4 gene, results from a G to T substitution at nucleotide position 575. The glycine at codon 192 is replaced by valine, an amino acid with dissimilar properties. This amino acid position is conserved. In addition, the in silico prediction for this alteration is inconclusive. Since supporting evidence is limited at this time, the clinical significance of this alteration remains unclear.